The following is an entry in ClinVar:

NM_019842.4(KCNQ5):c.128G>C (p.Arg43Pro)

Genes: KCNQ5 (potassium voltage-gated channel subfamily Q member 5; plus strand), KCNQ5-DT (KCNQ5 divergent transcript; minus strand), LOC129996711 (ATAC-STARR-seq lymphoblastoid silent region 17329; plus strand). Cytogenetic location: 6q13.
Variant type: single nucleotide variant.
Coding change: c.128G>C on transcript NM_019842.4 (MANE Select); coding-DNA position 128, G replaced by C.
Protein change: p.Arg43Pro; replaces arginine 43 with proline.
Molecular consequence: missense variant.
Genome position (GRCh38, 1-based): chr6:72,622,317, G>C. VCF-style: chr6-72622317-G-C. GRCh37 (hg19) VCF-style: chr6-73332045-G-C.
Other names: c.128G>C, p.Arg43Pro (NM_001160130.2, NM_001160132.2, NM_001160133.2 and 1 more transcripts); short protein forms R43P.
Identifiers: ClinVar variation 2979848 (VCV002979848.3), dbSNP rs1255021815, ClinGen allele CA364824209.

ClinVar aggregate classification (germline): Uncertain significance (1 of 4 stars; one submission).

Submission:

Labcorp Genetics (formerly Invitae), Labcorp
Classification: Uncertain significance. Last evaluated: 2023-03-22. Review status: criteria provided, single submitter. Criteria: Invitae Variant Classification Sherloc (09022015). Collection method: clinical testing. Allele origin: germline.
Comment: This sequence change replaces arginine, which is basic and polar, with proline, which is neutral and non-polar, at codon 43 of the KCNQ5 protein (p.Arg43Pro). This variant is not present in population databases (gnomAD no frequency). This variant has not been reported in the literature in individuals affected with KCNQ5-related conditions. Advanced modeling of protein sequence and biophysical properties (such as structural, functional, and spatial information, amino acid conservation, physicochemical variation, residue mobility, and thermodynamic stability) performed at Invitae indicates that this missense variant is not expected to disrupt KCNQ5 protein function. In summary, the available evidence is currently insufficient to determine the role of this variant in disease. Therefore, it has been classified as a Variant of Uncertain Significance.